The following is an entry in ClinVar:

ClinVar aggregate classification (germline): Uncertain significance (1 of 4 stars; one submission).

Conditions:
2-aminoadipic 2-oxoadipic aciduria (AAKAD). Also called: ALPHA-AMINOADIPIC AND ALPHA-KETOADIPIC ACIDURIA; Aminoadipic aciduria. Identifiers: Orphanet 79154, MedGen C1859817, MONDO:0008774, OMIM 204750.

Allele frequency attached by ClinVar (database versions not stated): gnomAD exomes 0.00002 and 0.00004; ExAC 0.00003; gnomAD 0.00004 and 0.00005; ESP Exome Variant Server 0.00015.
gnomAD v4.1: 66 of 1,600,826 alleles (0.0041%); highest among the groups gnomAD compares: Non-Finnish European, 0.0054%; no homozygotes.

Submission:

Labcorp Genetics (formerly Invitae), Labcorp
Classification: Uncertain significance for 2-aminoadipic 2-oxoadipic aciduria. Last evaluated: 2025-11-20. Review status: criteria provided, single submitter. Criteria: Invitae Variant Classification Sherloc (09022015). Collection method: clinical testing. Allele origin: germline.
Comment: This sequence change replaces threonine, which is neutral and polar, with alanine, which is neutral and non-polar, at codon 778 of the DHTKD1 protein (p.Thr778Ala). This variant is present in population databases (rs138115346, gnomAD 0.006%). This variant has not been reported in the literature in individuals affected with DHTKD1-related conditions. ClinVar contains an entry for this variant (Variation ID: 1524674). Invitae Evidence Modeling of protein sequence and biophysical properties (such as structural, functional, and spatial information, amino acid conservation, physicochemical variation, residue mobility, and thermodynamic stability) indicates that this missense variant is not expected to disrupt DHTKD1 protein function with a negative predictive value of 80%. In summary, the available evidence is currently insufficient to determine the role of this variant in disease. Therefore, it has been classified as a Variant of Uncertain Significance.

NM_018706.7(DHTKD1):c.2332A>G (p.Thr778Ala)

Gene: DHTKD1 (dehydrogenase E1 and transketolase domain containing 1; plus strand). Cytogenetic location: 10p14.
Variant type: single nucleotide variant.
Coding change: c.2332A>G on transcript NM_018706.7 (MANE Select); coding-DNA position 2332, A replaced by G.
Protein change: p.Thr778Ala; replaces threonine 778 with alanine.
Molecular consequence: missense variant.
Genome position (GRCh38, 1-based): chr10:12,117,685, A>G. VCF-style: chr10-12117685-A-G. GRCh37 (hg19) VCF-style: chr10-12159684-A-G.
Other names: short protein forms T778A.
Identifiers: ClinVar variation 1524674 (VCV001524674.8), dbSNP rs138115346, ClinGen allele CA5408227.